The following is an entry in ClinVar:

ClinVar aggregate classification (germline): Uncertain significance. Review status: criteria provided, multiple submitters, no conflicts (2 of 4 stars). 2 submissions from 2 submitters: Uncertain significance (2). Last evaluated 2025-04-20.

Allele frequency attached by ClinVar (database versions not stated): gnomAD exomes 0.00002.
gnomAD v4.1: 35 of 1,590,916 alleles (0.0022%); highest among the groups gnomAD compares: Non-Finnish European, 0.002%; no homozygotes.

Submissions (2):

Labcorp Genetics (formerly Invitae), Labcorp
Classification: Uncertain significance. Last evaluated: 2025-04-20. Review status: criteria provided, single submitter. Criteria: Invitae Variant Classification Sherloc (09022015). Collection method: clinical testing. Allele origin: germline.
Comment: This sequence change replaces serine, which is neutral and polar, with cysteine, which is neutral and slightly polar, at codon 439 of the MKL1 protein (p.Ser439Cys). This variant is present in population databases (rs773909607, gnomAD 0.04%). This variant has not been reported in the literature in individuals affected with MKL1-related conditions. ClinVar contains an entry for this variant (Variation ID: 2168740). An algorithm developed to predict the effect of missense changes on protein structure and function (PolyPhen-2) suggests that this variant is likely to be tolerated. In summary, the available evidence is currently insufficient to determine the role of this variant in disease. Therefore, it has been classified as a Variant of Uncertain Significance.

Ambry Genetics
Classification: Uncertain significance. Last evaluated: 2025-01-01. Review status: criteria provided, single submitter. Criteria: Ambry Variant Classification Scheme 2023. Collection method: clinical testing. Allele origin: germline.

NM_020831.6(MRTFA):c.1615A>T (p.Ser539Cys)

Gene: MRTFA (myocardin related transcription factor A; minus strand). Cytogenetic location: 22q13.1.
Variant type: single nucleotide variant.
Coding change: c.1615A>T on transcript NM_020831.6 (MANE Select); coding-DNA position 1615, A replaced by T.
Protein change: p.Ser539Cys; replaces serine 539 with cysteine.
Molecular consequence: missense variant.
Genome position (GRCh38, 1-based): chr22:40,419,123, T>A on the plus strand (A>T on the coding strand, the complement: MRTFA is on the minus strand). VCF-style: chr22-40419123-T-A. GRCh37 (hg19) VCF-style: chr22-40815127-T-A.
Other names: c.1315A>T, p.Ser439Cys (NM_001282660.2); c.1465A>T, p.Ser489Cys (NM_001282661.3); c.1615A>T, p.Ser539Cys (NM_001282662.3); c.1420A>T, p.Ser474Cys (NM_001318139.2); c.1315A>T (NM_020831.3); short protein forms S474C, S539C, S439C, S489C.
Identifiers: ClinVar variation 2168740 (VCV002168740.5), dbSNP rs773909607, ClinGen allele CA10249623.